The following is an entry in ClinVar:

ClinVar aggregate classification (germline): Pathogenic/Likely pathogenic. Review status: criteria provided, multiple submitters, no conflicts (2 of 4 stars). 4 submissions from 4 submitters: Pathogenic (2); Likely pathogenic (2). Last evaluated 2024-10-30.

Conditions:
Hereditary spastic paraplegia 35. Also called: LEUKODYSTROPHY, DYSMYELINATING, AND SPASTIC PARAPARESIS WITH OR WITHOUT DYSTONIA; Spastic paraplegia 35; SPASTIC PARAPLEGIA 35, AUTOSOMAL RECESSIVE, WITH OR WITHOUT NEURODEGENERATION; Spastic paraplegia 35, autosomal recessive. Identifiers: Orphanet 171629, MedGen C3496228, MONDO:0012866, OMIM 612319.
Spastic paraplegia. Identifiers: MedGen C0037772, HP:0001258.

Submissions (4):

3billion
Classification: Pathogenic for Hereditary spastic paraplegia 35. Last evaluated: 2024-10-30. Review status: criteria provided, single submitter. Criteria: ACMG Guidelines, 2015. Collection method: clinical testing. Allele origin: germline. Affected: yes.
Comment: The variant is not observed in the gnomAD v4.1.0 dataset. Predicted Consequence/Location: Canonical splice site: predicted to alter splicing and result in a loss or disruption of normal protein function. Multiple pathogenic loss-of-function variants are reported downstream of the variant. The variant has been reported at least twice as pathogenic without evidence for the classification (ClinVar ID: VCV000803271 /PMID: 29423566). Therefore, this variant is classified as Pathogenic according to the recommendation of ACMG/AMP guideline.

Labcorp Genetics (formerly Invitae), Labcorp
Classification: Likely pathogenic for Spastic paraplegia. Last evaluated: 2024-10-04. Review status: criteria provided, single submitter. Criteria: Invitae Variant Classification Sherloc (09022015). Collection method: clinical testing. Allele origin: germline.
Comment: This variant results in the deletion of part of exon 2 (c.340_363+8del) of the FA2H gene. It is expected to disrupt RNA splicing. Variants that disrupt the donor or acceptor splice site typically lead to a loss of protein function (PMID: 16199547), and loss-of-function variants in FA2H are known to be pathogenic (PMID: 20853438, 25496456, 25732363, 26344562). This variant is not present in population databases (gnomAD no frequency). While this particular variant has not been reported in the literature, loss-of-function variants in FA2H are known to be pathogenic (PMID: 25496456, 25732363, 26344562). This variant is also known as [c.340_363del24][c.363+1_8del8]. ClinVar contains an entry for this variant (Variation ID: 803271). In summary, the currently available evidence indicates that the variant is pathogenic, but additional data are needed to prove that conclusively. Therefore, this variant has been classified as Likely Pathogenic.

GeneDx
Classification: Likely pathogenic. Last evaluated: 2023-12-15. Review status: criteria provided, single submitter. Criteria: GeneDx Variant Classification Process June 2021. Collection method: clinical testing. Allele origin: germline. Affected: yes.
Comment: Reported previously in a patient with frequent falls, leg stiffness, learning difficulties, strabismus, severe motor impairment, lower limb spasticity, mild intellectual disability, abnormal EMG, and abnormal brain MRI; this patient also had a second variant (phase unknown) (PMID: 29423566); Canonical splice site variant predicted to result in an in-frame loss of the adjacent exon in a gene for which loss of function is a known mechanism of disease; Not observed at significant frequency in large population cohorts (gnomAD); This variant is associated with the following publications: (PMID: 30564185, 29423566)

Mendelics
Classification: Pathogenic for Hereditary spastic paraplegia 35. Last evaluated: 2019-05-28. Review status: criteria provided, single submitter. Criteria: Mendelics Assertion Criteria 2017. Collection method: clinical testing. Allele origin: unknown.

Literature cited by the submitters: PubMed 29423566 (cited by 3billion); PubMed 16199547 (cited by Labcorp Genetics (formerly Invitae), Labcorp); PubMed 20853438 (cited by Labcorp Genetics (formerly Invitae), Labcorp); PubMed 25496456 (cited by Labcorp Genetics (formerly Invitae), Labcorp); PubMed 25732363 (cited by Labcorp Genetics (formerly Invitae), Labcorp); PubMed 26344562 (cited by Labcorp Genetics (formerly Invitae), Labcorp).

NM_024306.5(FA2H):c.340_363+8del

Gene: FA2H (fatty acid 2-hydroxylase; minus strand). Cytogenetic location: 16q23.1.
Variant type: Deletion.
Coding change: c.340_363+8del on transcript NM_024306.5 (MANE Select); coding-DNA position 340 through 8 bases into the intron after coding-DNA position 363, 32 bases deleted.
Molecular consequence: splice donor variant.
Genome position (GRCh38, 1-based): chr16:74,740,015-74,740,046, 32 bases deleted; deleting any 32 consecutive bases within chr16:74,740,015-74,740,048 gives the same sequence; the c. name uses the placement nearest the transcript's 3' end. GRCh37 (hg19): chr16:74,773,915-74,773,946.
Identifiers: ClinVar variation 803271 (VCV000803271.7), dbSNP rs1597556143, ClinGen allele CA915949346.